The following is an entry in ClinVar:

NM_194318.4(B3GLCT):c.1064+5G>T

Gene: B3GLCT (beta 3-glucosyltransferase; plus strand). Cytogenetic location: 13q12.3.
Variant type: single nucleotide variant.
Coding change: c.1064+5G>T on transcript NM_194318.4 (MANE Select); 5 bases into the intron after coding-DNA position 1064, G replaced by T.
Molecular consequence: intron variant.
Genome position (GRCh38, 1-based): chr13:31,286,824, G>T. VCF-style: chr13-31286824-G-T. GRCh37 (hg19) VCF-style: chr13-31860961-G-T.
Identifiers: ClinVar variation 1425495 (VCV001425495.6), dbSNP rs749084947, ClinGen allele CA609070069.

ClinVar aggregate classification (germline): Uncertain significance (1 of 4 stars; one submission).

Conditions:
Peters plus syndrome. Also called: KRAUSE-KIVLIN SYNDROME. Identifiers: Orphanet 709, MedGen C0796012, MONDO:0009856, OMIM 261540.

gnomAD v4.1: 23 of 1,586,098 alleles (0.0015%); highest among the groups gnomAD compares: Admixed American, 0.039%; no homozygotes.

Submission:

Labcorp Genetics (formerly Invitae), Labcorp
Classification: Uncertain significance for Peters plus syndrome. Last evaluated: 2021-02-12. Review status: criteria provided, single submitter. Criteria: Invitae Variant Classification Sherloc (09022015). Collection method: clinical testing. Allele origin: germline.
Comment: This variant is not present in population databases (ExAC no frequency). In summary, the available evidence is currently insufficient to determine the role of this variant in disease. Therefore, it has been classified as a Variant of Uncertain Significance. Nucleotide substitutions within the consensus splice site are a relatively common cause of aberrant splicing (PMID: 17576681, 9536098). Algorithms developed to predict the effect of sequence changes on RNA splicing suggest that this variant is not likely to affect RNA splicing, but this prediction has not been confirmed by published transcriptional studies. This variant has not been reported in the literature in individuals with B3GLCT-related conditions. This sequence change falls in intron 12 of the B3GLCT gene. It does not directly change the encoded amino acid sequence of the B3GLCT protein. It affects a nucleotide within the consensus splice site of the intron.

Literature cited by the submitters: PubMed 17576681; PubMed 9536098.